The following is an entry in ClinVar:

ClinVar aggregate classification (germline): Uncertain significance (1 of 4 stars; one submission).

Submission:

GeneDx
Classification: Uncertain significance. Last evaluated: 2019-08-26. Review status: criteria provided, single submitter. Criteria: GeneDx Variant Classification Process June 2021. Collection method: clinical testing. Allele origin: germline. Affected: yes.
Comment: Not observed in large population cohorts (Lek et al., 2016); In silico analysis, which includes protein predictors and evolutionary conservation, supports a deleterious effect; Has not been previously published as pathogenic or benign to our knowledge

NM_006494.4(ERF):c.64C>T (p.Pro22Ser)

Gene: ERF (ETS2 repressor factor; minus strand). Cytogenetic location: 19q13.2.
Variant type: single nucleotide variant.
Coding change: c.64C>T on transcript NM_006494.4 (MANE Select); coding-DNA position 64, C replaced by T.
Protein change: p.Pro22Ser; replaces proline 22 with serine.
Molecular consequence: missense variant. On other transcripts: 5 prime UTR variant (3).
Genome position (GRCh38, 1-based): chr19:42,250,524, G>A on the plus strand (C>T on the coding strand, the complement: ERF is on the minus strand). VCF-style: chr19-42250524-G-A. GRCh37 (hg19) VCF-style: chr19-42754676-G-A.
Other names: c.-162C>T (NM_001301035.2, NM_001308402.2, NM_001312656.2); short protein forms P22S.
Identifiers: ClinVar variation 1309920 (VCV001309920.2), dbSNP rs2146952119, ClinGen allele CA406115870.
Genomic context (GRCh38, chr19:42,250,524, plus strand): 5'-ACTCCTCCTTCCGCAGCAGCTCCAGGATAAAGTGCCACAGCTGGATCTGCCTTGAGCCAG[G>A]GGACGACTCTGGCTTGTAGGCCCAATCCGGGAAGGCAAACCCTGGGGACGGGAGGCAGGG-3'
Protein context (NP_006485.2, residues 12-32): PDWAYKPESS[Pro22Ser]GSRQIQLWHF